The following is an entry in ClinVar:

ClinVar aggregate classification (germline): Benign (1 of 4 stars; one submission).

Conditions:
Diaphyseal medullary stenosis-bone malignancy syndrome. Also called: MYOPATHY, LIMB-GIRDLE, WITH BONE FRAGILITY; BONE DYSPLASIA WITH MALIGNANT FIBROUS HISTIOCYTOMA; BONE DYSPLASIA WITH MEDULLARY FIBROSARCOMA. Identifiers: Orphanet 85182, MedGen C1862177, MONDO:0007205, OMIM 112250.

Allele frequency attached by ClinVar (database versions not stated): gnomAD exomes 0.00022; gnomAD 0.00557 and 0.00588; TOPMed 0.01073; 1000 Genomes Project 0.01538; 1000 Genomes Project 30x 0.01608.
gnomAD v4.1: 1,161 of 985,798 alleles (0.12%); highest among the groups gnomAD compares: Admixed American, 4.8%; 33 homozygotes.

Submission:

Illumina Laboratory Services, Illumina
Classification: Benign for Diaphyseal medullary stenosis-bone malignancy syndrome. Last evaluated: 2018-01-12. Review status: criteria provided, single submitter. Criteria: ICSL Variant Classification Criteria 13 December 2019. Collection method: clinical testing. Allele origin: germline.
Comment: This variant was observed in the ICSL laboratory as part of a predisposition screen in an ostensibly healthy population. It had not been previously curated by ICSL or reported in the Human Gene Mutation Database (HGMD: prior to June 1st, 2018), and was therefore a candidate for classification through an automated scoring system. Utilizing variant allele frequency, disease prevalence and penetrance estimates, and inheritance mode, an automated score was calculated to assess if this variant is too frequent to cause the disease. Based on the score and internal cut-off values, a variant classified as benign is not then subjected to further curation. The score for this variant resulted in a classification of benign for this disease.

NM_002451.4(MTAP):c.*1936C>T

Gene: MTAP (methylthioadenosine phosphorylase; plus strand). Cytogenetic location: 9p21.3.
Variant type: single nucleotide variant.
Coding change: c.*1936C>T on transcript NM_002451.4 (MANE Select); 1936 bases downstream of the stop codon, C replaced by T.
Molecular consequence: 3 prime UTR variant.
Genome position (GRCh38, 1-based): chr9:21,863,950, C>T. VCF-style: chr9-21863950-C-T. GRCh37 (hg19) VCF-style: chr9-21863949-C-T.
Identifiers: ClinVar variation 366287 (VCV000366287.5), dbSNP rs117552951, ClinGen allele CA10627088.